The following is an entry in ClinVar:

ClinVar aggregate classification (germline): Uncertain significance (1 of 4 stars; one submission).

gnomAD v4.1: 1 of 1,614,108 alleles (0.000062%); highest among the groups gnomAD compares: Non-Finnish European, 0.000085%; no homozygotes.

Submission:

Labcorp Genetics (formerly Invitae), Labcorp
Classification: Uncertain significance. Last evaluated: 2025-07-27. Review status: criteria provided, single submitter. Criteria: Invitae Variant Classification Sherloc (09022015). Collection method: clinical testing. Allele origin: germline.
Comment: This sequence change creates a premature translational stop signal (p.Ser163*) in the SAMD9 gene. While this is not anticipated to result in nonsense mediated decay, it is expected to disrupt the last 1427 amino acid(s) of the SAMD9 protein. This variant is present in population databases (rs762771385, gnomAD 0.0009%). This variant has not been reported in the literature in individuals affected with SAMD9-related conditions. In summary, the available evidence is currently insufficient to determine the role of this variant in disease. Therefore, it has been classified as a Variant of Uncertain Significance.

NM_017654.4(SAMD9):c.488C>A (p.Ser163Ter)

Gene: SAMD9 (sterile alpha motif domain containing 9; minus strand). Cytogenetic location: 7q21.2.
Variant type: single nucleotide variant.
Coding change: c.488C>A on transcript NM_017654.4 (MANE Select); coding-DNA position 488, C replaced by A.
Protein change: p.Ser163Ter; replaces serine 163 with a stop codon.
Molecular consequence: nonsense.
Genome position (GRCh38, 1-based): chr7:93,105,610, G>T on the plus strand (C>A on the coding strand, the complement: SAMD9 is on the minus strand). VCF-style: chr7-93105610-G-T. GRCh37 (hg19) VCF-style: chr7-92734923-G-T.
Other names: c.488C>A, p.Ser163Ter (NM_001193307.2); short protein forms S163*.
Identifiers: ClinVar variation 4724176 (VCV004724176.1).